The following is an entry in ClinVar:

NM_145059.3(FCSK):c.416G>T (p.Gly139Val)

Gene: FCSK (fucose kinase; plus strand). Cytogenetic location: 16q22.1.
Variant type: single nucleotide variant.
Coding change: c.416G>T on transcript NM_145059.3 (MANE Select); coding-DNA position 416, G replaced by T.
Protein change: p.Gly139Val; replaces glycine 139 with valine.
Molecular consequence: missense variant.
Genome position (GRCh38, 1-based): chr16:70,466,886, G>T. VCF-style: chr16-70466886-G-T. GRCh37 (hg19) VCF-style: chr16-70500789-G-T.
Other names: short protein forms G139V.
Identifiers: ClinVar variation 1950814 (VCV001950814.5), dbSNP rs2507420581, ClinGen allele CA396562415.

ClinVar aggregate classification (germline): Uncertain significance (1 of 4 stars; one submission).

Submission:

Labcorp Genetics (formerly Invitae), Labcorp
Classification: Uncertain significance. Last evaluated: 2022-03-13. Review status: criteria provided, single submitter. Criteria: Invitae Variant Classification Sherloc (09022015). Collection method: clinical testing. Allele origin: germline.
Comment: This sequence change replaces glycine, which is neutral and non-polar, with valine, which is neutral and non-polar, at codon 139 of the FUK protein (p.Gly139Val). This variant is not present in population databases (gnomAD no frequency). This variant has not been reported in the literature in individuals affected with FUK-related conditions. Algorithms developed to predict the effect of missense changes on protein structure and function (SIFT, PolyPhen-2, Align-GVGD) all suggest that this variant is likely to be tolerated. In summary, the available evidence is currently insufficient to determine the role of this variant in disease. Therefore, it has been classified as a Variant of Uncertain Significance.